The following is an entry in ClinVar:

ClinVar aggregate classification (germline): Conflicting classifications of pathogenicity. Review status: criteria provided, conflicting classifications (1 of 4 stars). 2 submissions from 2 submitters: Uncertain significance (1); Likely benign (1). Last evaluated 2022-08-16.

Allele frequency attached by ClinVar (database versions not stated): gnomAD 0.00005; ESP Exome Variant Server 0.00015; 1000 Genomes Project 30x 0.00016; 1000 Genomes Project 0.00020; gnomAD exomes 0.00002 and 0.00001; TOPMed 0.00004; ExAC 0.00002.
gnomAD v4.1: 18 of 1,614,162 alleles (0.0011%); highest among the groups gnomAD compares: African/African-American, 0.02%; no homozygotes.

Submissions (2):

Labcorp Genetics (formerly Invitae), Labcorp
Classification: Uncertain significance. Last evaluated: 2022-08-16. Review status: criteria provided, single submitter. Criteria: Invitae Variant Classification Sherloc (09022015). Collection method: clinical testing. Allele origin: germline.
Comment: In summary, the available evidence is currently insufficient to determine the role of this variant in disease. Therefore, it has been classified as a Variant of Uncertain Significance. Algorithms developed to predict the effect of missense changes on protein structure and function output the following: SIFT: "Tolerated"; PolyPhen-2: "Benign"; Align-GVGD: "Class C0". The valine amino acid residue is found in multiple mammalian species, which suggests that this missense change does not adversely affect protein function. ClinVar contains an entry for this variant (Variation ID: 214768). This variant has not been reported in the literature in individuals affected with NDUFS1-related conditions. This variant is present in population databases (rs147685849, gnomAD 0.02%). This sequence change replaces isoleucine, which is neutral and non-polar, with valine, which is neutral and non-polar, at codon 567 of the NDUFS1 protein (p.Ile567Val).

GeneDx
Classification: Likely benign. Last evaluated: 2014-12-22. Review status: criteria provided, single submitter. Criteria: GeneDx Variant Classification (06012015). Collection method: clinical testing. Allele origin: germline. Affected: yes.
Comment: This variant is considered likely benign or benign based on one or more of the following criteria: it is a conservative change, it occurs at a poorly conserved position in the protein, it is predicted to be benign by multiple in silico algorithms, and/or has population frequency not consistent with disease.

NM_005006.7(NDUFS1):c.1699A>G (p.Ile567Val)

Gene: NDUFS1 (NADH:ubiquinone oxidoreductase core subunit S1; minus strand). Cytogenetic location: 2q33.3.
Variant type: single nucleotide variant.
Coding change: c.1699A>G on transcript NM_005006.7 (MANE Select); coding-DNA position 1699, A replaced by G.
Protein change: p.Ile567Val; replaces isoleucine 567 with valine.
Molecular consequence: missense variant.
Genome position (GRCh38, 1-based): chr2:206,130,097, T>C on the plus strand (A>G on the coding strand, the complement: NDUFS1 is on the minus strand). VCF-style: chr2-206130097-T-C. GRCh37 (hg19) VCF-style: chr2-206994821-T-C.
Other names: c.1591A>G, p.Ile531Val (NM_001199981.2); c.1366A>G, p.Ile456Val (NM_001199982.2); c.1528A>G, p.Ile510Val (NM_001199983.2); c.1741A>G, p.Ile581Val (NM_001199984.2); short protein forms I567V, I456V, I531V, I510V, I581V.
Identifiers: ClinVar variation 214768 (VCV000214768.6), dbSNP rs147685849, ClinGen allele CA322758.